The following is an entry in ClinVar:

NM_001903.5(CTNNA1):c.876C>G (p.Asp292Glu)

Gene: CTNNA1 (catenin alpha 1; plus strand). Cytogenetic location: 5q31.2.
Variant type: single nucleotide variant.
Coding change: c.876C>G on transcript NM_001903.5 (MANE Select); coding-DNA position 876, C replaced by G.
Protein change: p.Asp292Glu; replaces aspartic acid 292 with glutamic acid.
Molecular consequence: missense variant.
Genome position (GRCh38, 1-based): chr5:138,827,532, C>G. VCF-style: chr5-138827532-C-G. GRCh37 (hg19) VCF-style: chr5-138163221-C-G.
Other names: c.876C>G, p.Asp292Glu (NM_001290307.3, NM_001323982.2, NM_001323983.1 and 3 more transcripts); c.567C>G, p.Asp189Glu (NM_001290309.3); c.507C>G, p.Asp169Glu (NM_001290310.3); short protein forms D189E, D169E, D292E.
Identifiers: ClinVar variation 4825926 (VCV004825926.1).

ClinVar aggregate classification (germline): Uncertain significance (1 of 4 stars; one submission).

Conditions:
Hereditary cancer-predisposing syndrome. Also called: Neoplastic Syndromes, Hereditary; Tumor predisposition; Hereditary Cancer Syndrome; Hereditary neoplastic syndrome. Identifiers: Orphanet 140162, MedGen C0027672, MeSH D009386, MONDO:0015356.

Submission:

Ambry Genetics
Classification: Uncertain significance for Hereditary cancer-predisposing syndrome. Last evaluated: 2026-03-11. Review status: criteria provided, single submitter. Criteria: Ambry Variant Classification Scheme 2023. Collection method: clinical testing. Allele origin: germline.
Comment: The p.D292E variant (also known as c.876C>G), located in coding exon 6 of the CTNNA1 gene, results from a C to G substitution at nucleotide position 876. The aspartic acid at codon 292 is replaced by glutamic acid, an amino acid with highly similar properties. This amino acid position is conserved. In addition, this alteration is predicted to be tolerated by in silico analysis. Based on the available evidence, the clinical significance of this variant remains unclear.